The following is an entry in ClinVar:

ClinVar aggregate classification (germline): Uncertain significance (1 of 4 stars; one submission).

gnomAD v4.1: 1 of 1,547,624 alleles (0.000065%); highest among the groups gnomAD compares: East Asian, 0.0024%; no homozygotes.

Submission:

GeneDx
Classification: Uncertain significance. Last evaluated: 2025-02-11. Review status: criteria provided, single submitter. Criteria: GeneDx Variant Classification Process June 2021. Collection method: clinical testing. Allele origin: germline. Affected: yes.
Comment: Not observed at significant frequency in large population cohorts (gnomAD); In silico analysis indicates that this missense variant does not alter protein structure/function; Has not been previously published as pathogenic or benign to our knowledge

NM_015267.4(CUX2):c.2145G>T (p.Glu715Asp)

Gene: CUX2 (cut like homeobox 2; plus strand). Cytogenetic location: 12q24.12.
Variant type: single nucleotide variant.
Coding change: c.2145G>T on transcript NM_015267.4 (MANE Select); coding-DNA position 2145, G replaced by T.
Protein change: p.Glu715Asp; replaces glutamic acid 715 with aspartic acid.
Molecular consequence: missense variant.
Genome position (GRCh38, 1-based): chr12:111,320,154, G>T. VCF-style: chr12-111320154-G-T. GRCh37 (hg19) VCF-style: chr12-111757958-G-T.
Other names: c.1959G>T, p.Glu653Asp (NM_001370598.1); short protein forms E653D, E715D.
Identifiers: ClinVar variation 4074332 (VCV004074332.1).